The following is an entry in ClinVar:

ClinVar aggregate classification (germline): Uncertain significance. Review status: criteria provided, multiple submitters, no conflicts (2 of 4 stars). 2 submissions from 2 submitters: Uncertain significance (2). Last evaluated 2025-06-07.

Conditions:
Inborn genetic diseases. Identifiers: MedGen C0950123, MeSH D030342.

Allele frequency attached by ClinVar (database versions not stated): gnomAD exomes 0.00002 and 0.00006; gnomAD 0.00004 and 0.00005; ExAC 0.00002; TOPMed 0.00004; ESP Exome Variant Server 0.00008.
gnomAD v4.1: 92 of 1,613,994 alleles (0.0057%); highest among the groups gnomAD compares: Non-Finnish European, 0.0076%; no homozygotes.

Submissions (2):

Ambry Genetics
Classification: Uncertain significance for Inborn genetic diseases. Last evaluated: 2025-06-07. Review status: criteria provided, single submitter. Criteria: Ambry Variant Classification Scheme 2023. Collection method: clinical testing. Allele origin: germline.

Labcorp Genetics (formerly Invitae), Labcorp
Classification: Uncertain significance. Last evaluated: 2022-08-19. Review status: criteria provided, single submitter. Criteria: Invitae Variant Classification Sherloc (09022015). Collection method: clinical testing. Allele origin: germline.
Comment: This sequence change replaces threonine, which is neutral and polar, with alanine, which is neutral and non-polar, at codon 1124 of the MYO5B protein (p.Thr1124Ala). This variant is present in population databases (rs375254329, gnomAD 0.007%). This variant has not been reported in the literature in individuals affected with MYO5B-related conditions. ClinVar contains an entry for this variant (Variation ID: 1362037). Algorithms developed to predict the effect of missense changes on protein structure and function output the following: SIFT: "Deleterious"; PolyPhen-2: "Benign"; Align-GVGD: "Class C0". The alanine amino acid residue is found in multiple mammalian species, which suggests that this missense change does not adversely affect protein function. In summary, the available evidence is currently insufficient to determine the role of this variant in disease. Therefore, it has been classified as a Variant of Uncertain Significance.

NM_001080467.3(MYO5B):c.3370A>G (p.Thr1124Ala)

Gene: MYO5B (myosin VB; minus strand). Cytogenetic location: 18q21.1.
Variant type: single nucleotide variant.
Coding change: c.3370A>G on transcript NM_001080467.3 (MANE Select); coding-DNA position 3370, A replaced by G.
Protein change: p.Thr1124Ala; replaces threonine 1124 with alanine.
Molecular consequence: missense variant.
Genome position (GRCh38, 1-based): chr18:49,877,789, T>C on the plus strand (A>G on the coding strand, the complement: MYO5B is on the minus strand). VCF-style: chr18-49877789-T-C. GRCh37 (hg19) VCF-style: chr18-47404159-T-C.
Other names: c.3370A>G (NM_001080467.2); short protein forms T1124A.
Identifiers: ClinVar variation 1362037 (VCV001362037.4), dbSNP rs375254329, ClinGen allele CA8960747.